The following is an entry in ClinVar:

ClinVar aggregate classification (germline): Benign/Likely benign. Review status: criteria provided, multiple submitters, no conflicts (2 of 4 stars). 5 submissions from 5 submitters: Benign (1); Likely benign (4). Last evaluated 2026-08-01.

Conditions:
Ullrich congenital muscular dystrophy 2 (UCMD2). Identifiers: Orphanet 75840, MedGen C4225314, MONDO:0014654, OMIM 616470.
Bethlem myopathy 2 (BTHLM2). Identifiers: Orphanet 536516, Orphanet 610, MedGen C4225313, MONDO:0034022, OMIM 616471.

Allele frequency attached by ClinVar (database versions not stated): ExAC 0.00024; gnomAD 0.00034; gnomAD exomes 0.00035 and 0.00048; TOPMed 0.00035; ESP Exome Variant Server 0.00072.
gnomAD v4.1: 740 of 1,614,088 alleles (0.046%); highest among the groups gnomAD compares: Non-Finnish European, 0.048%; 1 homozygote.

Submissions (5):

CeGaT Center for Human Genetics Tuebingen
Classification: Likely benign. Last evaluated: 2026-08-01. Review status: criteria provided, single submitter. Criteria: CeGaT Center For Human Genetics Tuebingen Variant Classification Criteria Version 2. Collection method: clinical testing. Allele origin: germline. Affected: yes. Observed: 1 variant allele.
Comment: COL12A1: BP4, BP7

Labcorp Genetics (formerly Invitae), Labcorp
Classification: Benign for Bethlem myopathy 2; Ullrich congenital muscular dystrophy 2. Last evaluated: 2026-02-01. Review status: criteria provided, single submitter. Criteria: Invitae Variant Classification Sherloc (09022015). Collection method: clinical testing. Allele origin: germline.

Women's Health and Genetics/Laboratory Corporation of America, LabCorp
Classification: Likely benign. Last evaluated: 2024-11-19. Review status: criteria provided, single submitter. Criteria: LabCorp Variant Classification Summary - May 2015. Collection method: clinical testing. Allele origin: germline.

GeneDx
Classification: Likely benign. Last evaluated: 2020-09-24. Review status: criteria provided, single submitter. Criteria: GeneDx Variant Classification Process June 2021. Collection method: clinical testing. Allele origin: germline. Affected: yes.

PreventionGenetics, part of Exact Sciences
Classification: Likely benign. Review status: criteria provided, single submitter. Criteria: ACMG Guidelines, 2015. Collection method: clinical testing. Allele origin: germline.

NM_004370.6(COL12A1):c.1188A>C (p.Ala396=)

Gene: COL12A1 (collagen type XII alpha 1 chain; minus strand). Cytogenetic location: 6q13.
Variant type: single nucleotide variant.
Coding change: c.1188A>C on transcript NM_004370.6 (MANE Select); coding-DNA position 1188, A replaced by C.
Protein change: p.Ala396=; no amino-acid change (alanine 396 retained).
Molecular consequence: synonymous variant. On other transcripts: intron variant (1).
Genome position (GRCh38, 1-based): chr6:75,183,954, T>G on the plus strand (A>C on the coding strand, the complement: COL12A1 is on the minus strand). VCF-style: chr6-75183954-T-G. GRCh37 (hg19) VCF-style: chr6-75893670-T-G.
Other names: c.73+18766A>C (NM_080645.3).
Identifiers: ClinVar variation 259318 (VCV000259318.17), dbSNP rs202153313, ClinGen allele CA3894245.